The following is an entry in ClinVar:

ClinVar aggregate classification (germline): Uncertain significance. Review status: criteria provided, multiple submitters, no conflicts (2 of 4 stars). 2 submissions from 2 submitters: Uncertain significance (2). Last evaluated 2025-09-10.

Conditions:
Inborn genetic diseases. Identifiers: MedGen C0950123, MeSH D030342.

Allele frequency attached by ClinVar (database versions not stated): gnomAD exomes 0.00001 and 0.00003; TOPMed 0.00001.
gnomAD v4.1: 13 of 1,552,950 alleles (0.00084%); highest among the groups gnomAD compares: South Asian, 0.0035%; no homozygotes.

Submissions (2):

Ambry Genetics
Classification: Uncertain significance for Inborn genetic diseases. Last evaluated: 2025-09-10. Review status: criteria provided, single submitter. Criteria: Ambry Variant Classification Scheme 2023. Collection method: clinical testing. Allele origin: germline.

Labcorp Genetics (formerly Invitae), Labcorp
Classification: Uncertain significance. Last evaluated: 2022-11-22. Review status: criteria provided, single submitter. Criteria: Invitae Variant Classification Sherloc (09022015). Collection method: clinical testing. Allele origin: germline.
Comment: In summary, the available evidence is currently insufficient to determine the role of this variant in disease. Therefore, it has been classified as a Variant of Uncertain Significance. Advanced modeling of protein sequence and biophysical properties (such as structural, functional, and spatial information, amino acid conservation, physicochemical variation, residue mobility, and thermodynamic stability) performed at Invitae indicates that this missense variant is expected to disrupt SZT2 protein function. ClinVar contains an entry for this variant (Variation ID: 1355858). This variant has not been reported in the literature in individuals affected with SZT2-related conditions. This variant is present in population databases (rs745809903, gnomAD 0.009%). This sequence change replaces arginine, which is basic and polar, with glutamine, which is neutral and polar, at codon 3218 of the SZT2 protein (p.Arg3218Gln).

NM_001365999.1(SZT2):c.9824G>A (p.Arg3275Gln)

Genes: SZT2-AS1 (SZT2 antisense RNA 1; minus strand), SZT2 (SZT2 subunit of KICSTOR complex; plus strand). Cytogenetic location: 1p34.2.
Variant type: single nucleotide variant.
Coding change: c.9824G>A on transcript NM_001365999.1 (MANE Select); coding-DNA position 9824, G replaced by A.
Protein change: p.Arg3275Gln; replaces arginine 3275 with glutamine.
Molecular consequence: missense variant. On other transcripts: non-coding transcript variant (1).
Genome position (GRCh38, 1-based): chr1:43,448,339, G>A. VCF-style: chr1-43448339-G-A. GRCh37 (hg19) VCF-style: chr1-43914010-G-A.
Other names: c.9653G>A, p.Arg3218Gln (NM_015284.4); c.9653G>A (NM_015284.3); short protein forms R3275Q, R3218Q.
Identifiers: ClinVar variation 1355858 (VCV001355858.7), dbSNP rs745809903, ClinGen allele CA811017.